The following is an entry in ClinVar:

ClinVar aggregate classification (germline): Benign. Review status: criteria provided, multiple submitters, no conflicts (2 of 4 stars). 13 submissions from 12 submitters: Benign (11). 2 of the submissions do not count toward it. Last evaluated 2026-02-04.

Conditions:
Ehlers-Danlos syndrome, classic type, 1 (EDSCL1). Also called: Ehlers-Danlos syndrome, type 1; Ehlers-Danlos Syndrome, Classic Type, COL5A1-Related; EDS I; EHLERS-DANLOS SYNDROME, GRAVIS TYPE; EHLERS-DANLOS SYNDROME, SEVERE CLASSIC TYPE. Identifiers: MedGen C0268335, MONDO:0019567, OMIM 130000.
Fibromuscular dysplasia, multifocal. Identifiers: MedGen C5543412, MONDO:0859151, OMIM 619329.
Familial thoracic aortic aneurysm and aortic dissection (TAAD). Also called: Thoracic aortic aneurysms and dissections. Identifiers: Orphanet 91387, MedGen C4707243, MONDO:0019625.

Allele frequency attached by ClinVar (database versions not stated): 1000 Genomes Project 0.40815; 1000 Genomes Project 30x 0.41380; TOPMed 0.41480; ESP Exome Variant Server 0.42519.
gnomAD v4.1: 590,830 of 1,613,406 alleles (37%); highest among the groups gnomAD compares: African/African-American, 50%; 109,704 homozygotes.

Submissions (13):

Labcorp Genetics (formerly Invitae), Labcorp
Classification: Benign for Ehlers-Danlos syndrome, classic type, 1. Last evaluated: 2026-02-04. Review status: criteria provided, single submitter. Criteria: Invitae Variant Classification Sherloc (09022015). Collection method: clinical testing. Allele origin: germline.

Molecular Diagnostic Laboratory for Inherited Cardiovascular Disease, Montreal Heart Institute
Classification: Benign. Last evaluated: 2025-04-09. Review status: criteria provided, single submitter. Criteria: ACMG Guidelines, 2015. Collection method: clinical testing. Allele origin: germline. Affected: no.

Blueprint Genetics
Classification: Benign. Last evaluated: 2024-11-27. Review status: criteria provided, single submitter. Criteria: ACMG Guidelines, 2015. Collection method: clinical testing. Allele origin: germline.

Genome-Nilou Lab
Classification: Benign for Ehlers-Danlos syndrome, classic type, 1. Last evaluated: 2021-07-30. Review status: criteria provided, single submitter. Criteria: ACMG Guidelines, 2015. Collection method: clinical testing. Allele origin: germline. Affected: no.

Genome-Nilou Lab
Classification: Benign for Fibromuscular dysplasia, multifocal. Last evaluated: 2021-07-30. Review status: criteria provided, single submitter. Criteria: ACMG Guidelines, 2015. Collection method: clinical testing. Allele origin: germline. Affected: no.

Mayo Clinic Laboratories, Mayo Clinic
Classification: Benign. Last evaluated: 2017-11-06. Review status: criteria provided, single submitter. Criteria: ACMG Guidelines, 2015. Collection method: clinical testing. Allele origin: germline. Observed: 3,237 variant alleles.

Women's Health and Genetics/Laboratory Corporation of America, LabCorp
Classification: Benign. Last evaluated: 2017-03-15. Review status: criteria provided, single submitter. Criteria: LabCorp Variant Classification Summary - May 2015. Collection method: clinical testing. Allele origin: germline.
Comment: Variant summary: The COL5A1 c.4482G>C (p.Pro1494Pro) variant involves the alteration of a non-conserved nucleotide, resulting in a synonymous change. 5/5 splice prediction tools predict no significant impact on normal splicing. ESE finder predicts that this variant may eliminate an SC35 ESE site. However, these predictions have yet to be confirmed by functional studies. The variant lies within the collagen triple helix repeat domain of the protein (InterPro). This variant was found in 45450/121210 control chromosomes (8705 homozygotes) at a frequency of 0.3749691, which is approximately 299975 times the estimated maximal expected allele frequency of a pathogenic COL5A1 variant (0.0000013), suggesting this variant is likely a benign polymorphism. In addition, multiple clinical diagnostic laboratories/reputable databases classified this variant as benign. The variant has been cited in at least one publication and was described by the authors as a common polymorphism (Symoens_HM_2012). Taken together, this variant is classified as benign.

Ambry Genetics
Classification: Benign for Familial thoracic aortic aneurysm and aortic dissection. Last evaluated: 2015-01-23. Review status: criteria provided, single submitter. Criteria: Ambry Variant Classification Scheme 2023. Collection method: clinical testing. Allele origin: germline.

GeneDx
Classification: Benign. Last evaluated: 2012-11-02. Review status: criteria provided, single submitter. Criteria: GeneDx Variant Classification (06012015). Collection method: clinical testing. Allele origin: germline. Affected: yes.
Comment: This variant is considered likely benign or benign based on one or more of the following criteria: it is a conservative change, it occurs at a poorly conserved position in the protein, it is predicted to be benign by multiple in silico algorithms, and/or has population frequency not consistent with disease.

Breakthrough Genomics
Classification: Benign. Review status: criteria provided, single submitter. Criteria: ACMG Guidelines, 2015. Collection method: not provided. Allele origin: germline. Inheritance: Autosomal dominant inheritance. Affected: yes.

PreventionGenetics, part of Exact Sciences
Classification: Benign. Review status: criteria provided, single submitter. Criteria: ACMG Guidelines, 2015. Collection method: clinical testing. Allele origin: germline.

Diagnostic Laboratory, Department of Genetics, University Medical Center Groningen
Classification: Benign. Review status: no assertion criteria provided. Collection method: clinical testing. Allele origin: germline. Affected: yes. Study: VKGL Data-share Consensus. Not counted in ClinVar's aggregate classification.

Genome Diagnostics Laboratory, Amsterdam University Medical Center
Classification: Benign. Review status: no assertion criteria provided. Collection method: clinical testing. Allele origin: germline. Affected: yes. Study: VKGL Data-share Consensus. Not counted in ClinVar's aggregate classification.

Literature cited by the submitters: PubMed 22696272 (cited by Women's Health and Genetics/Laboratory Corporation of America, LabCorp).

NM_000093.5(COL5A1):c.4482G>C (p.Pro1494=)

Genes: COL5A1 (collagen type V alpha 1 chain; plus strand), LOC101448202 (uncharacterized LOC101448202; minus strand). Cytogenetic location: 9q34.3.
Variant type: single nucleotide variant.
Coding change: c.4482G>C on transcript NM_000093.5 (MANE Select); coding-DNA position 4482, G replaced by C.
Protein change: p.Pro1494=; no amino-acid change (proline 1494 retained).
Molecular consequence: synonymous variant. On other transcripts: non-coding transcript variant (1).
Genome position (GRCh38, 1-based): chr9:134,820,151, G>C. VCF-style: chr9-134820151-G-C. GRCh37 (hg19) VCF-style: chr9-137711997-G-C.
Other names: p.P1494P:CCG>CCC; p.Pro1494=; c.4482G>C, p.Pro1494= (NM_001278074.1).
Identifiers: ClinVar variation 136900 (VCV000136900.30), dbSNP rs2228560, ClinGen allele CA290290.
Genomic context (GRCh38, chr9:134,820,151, plus strand): 5'-CCTTCCTGTCTTCATTTTCCCACAGGGTCATCCAGGCCTGATCGGGCTCATCGGTCCTCC[G>C]GGTGAACAGGGTGAGAAGGGCGACCGTGGTCTCCCTGGCCCCCAGGGCTCCTCCGGTCCT-3'
Protein context (NP_000084.3, residues 1484-1504): HPGLIGLIGP[Pro1494=]GEQGEKGDRG